The following is an entry in ClinVar:

NM_014252.4(SLC25A15):c.*610G>T

Gene: SLC25A15 (solute carrier family 25 member 15; plus strand). Cytogenetic location: 13q14.11.
Variant type: single nucleotide variant.
Coding change: c.*610G>T on transcript NM_014252.4 (MANE Select); 610 bases downstream of the stop codon, G replaced by T.
Molecular consequence: 3 prime UTR variant.
Genome position (GRCh38, 1-based): chr13:40,810,277, G>T. VCF-style: chr13-40810277-G-T. GRCh37 (hg19) VCF-style: chr13-41384413-G-T.
Other names: NC_000013.10:g.41384413G>T.
Identifiers: ClinVar variation 312191 (VCV000312191.6), dbSNP rs7320743, ClinGen allele CA10634391.

ClinVar aggregate classification (germline): Benign (1 of 4 stars; one submission).

Conditions:
Hyperornithinemia-hyperammonemia-homocitrullinuria syndrome (HHHS). Also called: HHH SYNDROME; Ornithine translocase deficiency. Identifiers: Orphanet 415, MedGen C0268540, MONDO:0009393, OMIM 238970.

Allele frequency attached by ClinVar (database versions not stated): 1000 Genomes Project 0.06589; gnomAD 0.06853 and 0.07290; 1000 Genomes Project 30x 0.07074; TOPMed 0.07762.
gnomAD v4.1: 10,369 of 152,184 alleles (6.8%); highest among the groups gnomAD compares: African/African-American, 20%; 924 homozygotes.

Submissions (3):

Illumina Laboratory Services, Illumina
Classification: Benign for Hyperornithinemia-hyperammonemia-homocitrullinuria syndrome. Last evaluated: 2018-01-13. Review status: criteria provided, single submitter. Criteria: ICSL Variant Classification Criteria 13 December 2019. Collection method: clinical testing. Allele origin: germline.
Comment: This variant was observed in the ICSL laboratory as part of a predisposition screen in an ostensibly healthy population. It had not been previously curated by ICSL or reported in the Human Gene Mutation Database (HGMD: prior to June 1st, 2018), and was therefore a candidate for classification through an automated scoring system. Utilizing variant allele frequency, disease prevalence and penetrance estimates, and inheritance mode, an automated score was calculated to assess if this variant is too frequent to cause the disease. Based on the score and internal cut-off values, a variant classified as benign is not then subjected to further curation. The score for this variant resulted in a classification of benign for this disease.

Dr. Peter K. Rogan Lab, Western University
No classification provided (evidence only). Condition: Acute myeloid leukemia. Review status: no classification provided. Collection method: in vitro. Allele origin: not applicable. Functional consequence: retained intron. Not counted in ClinVar's aggregate classification.

Dr. Peter K. Rogan Lab, Western University
No classification provided (evidence only). Condition: Ovarian serous cystadenocarcinoma. Review status: no classification provided. Collection method: in vitro. Allele origin: not applicable. Functional consequence: retained intron. Not counted in ClinVar's aggregate classification.